The following is an entry in ClinVar:

NM_004385.5(VCAN):c.7030C>T (p.Pro2344Ser)

Genes: VCAN (versican; plus strand), VCAN-AS1 (VCAN antisense RNA 1; minus strand). Cytogenetic location: 5q14.3.
Variant type: single nucleotide variant.
Coding change: c.7030C>T on transcript NM_004385.5 (MANE Select); coding-DNA position 7030, C replaced by T.
Protein change: p.Pro2344Ser; replaces proline 2344 with serine.
Molecular consequence: missense variant. On other transcripts: intron variant (2).
Genome position (GRCh38, 1-based): chr5:83,540,033, C>T. VCF-style: chr5-83540033-C-T. GRCh37 (hg19) VCF-style: chr5-82835852-C-T.
Other names: c.4069C>T, p.Pro1357Ser (NM_001164097.2); c.4004-5504C>T (NM_001164098.2); c.1043-5504C>T (NM_001126336.3); short protein forms P2344S, P1357S.
Identifiers: ClinVar variation 354437 (VCV000354437.17), dbSNP rs61733401, ClinGen allele CA3333562.

ClinVar aggregate classification (germline): Benign. Review status: criteria provided, multiple submitters, no conflicts (2 of 4 stars). 4 submissions from 4 submitters: Benign (4). Last evaluated 2026-02-01.

Conditions:
Vitreoretinopathy. Also called: Vitreoretinal degeneration. Identifiers: MedGen C0344290, MONDO:0020248, HP:0007773.

Allele frequency attached by ClinVar (database versions not stated): gnomAD exomes 0.00317 and 0.00780; ExAC 0.00935; gnomAD 0.02784 and 0.02963; ESP Exome Variant Server 0.03237; 1000 Genomes Project 0.03295; TOPMed 0.03318; 1000 Genomes Project 30x 0.03545.
gnomAD v4.1: 9,092 of 1,614,004 alleles (0.56%); highest among the groups gnomAD compares: African/African-American, 9.5%; 374 homozygotes.

Submissions (4):

Labcorp Genetics (formerly Invitae), Labcorp
Classification: Benign. Last evaluated: 2026-02-01. Review status: criteria provided, single submitter. Criteria: Invitae Variant Classification Sherloc (09022015). Collection method: clinical testing. Allele origin: germline.

Blueprint Genetics
Classification: Benign. Last evaluated: 2024-11-26. Review status: criteria provided, single submitter. Criteria: ACMG Guidelines, 2015. Collection method: clinical testing. Allele origin: germline.

GeneDx
Classification: Benign. Last evaluated: 2021-05-05. Review status: criteria provided, single submitter. Criteria: GeneDx Variant Classification Process June 2021. Collection method: clinical testing. Allele origin: germline. Affected: yes.

Illumina Laboratory Services, Illumina
Classification: Benign for Vitreoretinopathy. Last evaluated: 2018-01-13. Review status: criteria provided, single submitter. Criteria: ICSL Variant Classification Criteria 13 December 2019. Collection method: clinical testing. Allele origin: germline.
Comment: This variant was observed in the ICSL laboratory as part of a predisposition screen in an ostensibly healthy population. It had not been previously curated by ICSL or reported in the Human Gene Mutation Database (HGMD: prior to June 1st, 2018), and was therefore a candidate for classification through an automated scoring system. Utilizing variant allele frequency, disease prevalence and penetrance estimates, and inheritance mode, an automated score was calculated to assess if this variant is too frequent to cause the disease. Based on the score and internal cut-off values, a variant classified as benign is not then subjected to further curation. The score for this variant resulted in a classification of benign for this disease.